The following is an entry in ClinVar:

NM_005334.3(HCFC1):c.4237_4239dup (p.Thr1413_Gln1414insThr)

Gene: HCFC1 (host cell factor C1; minus strand). Cytogenetic location: Xq28.
Variant type: Duplication.
Coding change: c.4237_4239dup on transcript NM_005334.3 (MANE Select); coding-DNA positions 4237 to 4239, 3 bases duplicated (ACA; older notation c.4237_4239dupACA).
Protein change: p.Thr1413_Gln1414insThr.
Molecular consequence: inframe insertion.
Genome position (GRCh38, 1-based): chrX:153,954,160-153,954,162, TGT duplicated on the plus strand (ACA on the coding strand, the reverse complement: HCFC1 is on the minus strand); duplicating any 3 consecutive bases within chrX:153,954,160-153,954,164 gives the same sequence; the c. name uses the placement nearest the transcript's 3' end. VCF-style (leftmost placement, unchanged base first): chrX-153954159-G-GTGT. GRCh37 (hg19) VCF-style: chrX-153219610-G-GTGT.
Other names: c.4237_4239dup, p.Thr1413_Gln1414insThr (NM_001410705.1).
Identifiers: ClinVar variation 2575748 (VCV002575748.1), dbSNP rs2065344629, ClinGen allele CA2466539996.

ClinVar aggregate classification (germline): Uncertain significance (1 of 4 stars; one submission).

Submission:

GeneDx
Classification: Uncertain significance. Last evaluated: 2023-02-07. Review status: criteria provided, single submitter. Criteria: GeneDx Variant Classification Process June 2021. Collection method: clinical testing. Allele origin: germline. Affected: yes.
Comment: Not observed at significant frequency in large population cohorts (gnomAD); In-frame duplication of one amino acid in a non-repeat region; In silico analysis supports that this variant does not alter protein structure/function; Has not been previously published as pathogenic or benign to our knowledge